The following is an entry in ClinVar:

NM_001290043.2(TAP2):c.1636-10T>C

Gene: TAP2 (transporter 2, ATP binding cassette subfamily B member; minus strand). Cytogenetic location: 6p21.32.
Variant type: single nucleotide variant.
Coding change: c.1636-10T>C on transcript NM_001290043.2 (MANE Select); 10 bases into the intron before coding-DNA position 1636, T replaced by C.
Molecular consequence: intron variant.
Genome position (GRCh38, 1-based): chr6:32,830,099, A>G on the plus strand (T>C on the coding strand, the complement: TAP2 is on the minus strand). VCF-style: chr6-32830099-A-G. GRCh37 (hg19) VCF-style: chr6-32797876-A-G.
Other names: c.1636-10T>C (NM_000544.3, NM_018833.3).
Identifiers: ClinVar variation 403515 (VCV000403515.18), dbSNP rs241436, ClinGen allele CA3745838.

ClinVar aggregate classification (germline): Benign. Review status: criteria provided, multiple submitters, no conflicts (2 of 4 stars). 4 submissions from 4 submitters: Benign (4). Last evaluated 2026-02-04.

Conditions:
MHC class I deficiency. Identifiers: Orphanet 34592, MedGen C6024714, MONDO:0011476.

Allele frequency attached by ClinVar (database versions not stated): gnomAD exomes 0.48955 and 0.46968; gnomAD 0.42914 and 0.42321; ESP Exome Variant Server 0.40055; TOPMed 0.41369; 1000 Genomes Project 0.43431; ExAC 0.48122; 1000 Genomes Project 30x 0.42755.
gnomAD v4.1: 751,599 of 1,612,616 alleles (47%); highest among the groups gnomAD compares: East Asian, 58%; 178,837 homozygotes.

Submissions (4):

Labcorp Genetics (formerly Invitae), Labcorp
Classification: Benign for MHC class I deficiency 1. Last evaluated: 2026-02-04. Review status: criteria provided, single submitter. Criteria: Invitae Variant Classification Sherloc (09022015). Collection method: clinical testing. Allele origin: germline.

Women's Health and Genetics/Laboratory Corporation of America, LabCorp
Classification: Benign. Last evaluated: 2026-01-21. Review status: criteria provided, single submitter. Criteria: LabCorp Variant Classification Summary - May 2015. Collection method: clinical testing. Allele origin: germline.

Genome-Nilou Lab
Classification: Benign for MHC class I deficiency 1. Last evaluated: 2021-07-15. Review status: criteria provided, single submitter. Criteria: ACMG Guidelines, 2015. Collection method: clinical testing. Allele origin: germline. Affected: no.

Laboratory for Molecular Medicine, Mass General Brigham Personalized Medicine
Classification: Benign. Last evaluated: 2016-03-28. Review status: criteria provided, single submitter. Criteria: LMM Criteria. Collection method: clinical testing. Allele origin: germline.
Comment: Variant identified in a genome or exome case(s) and assessed due to predicted null impact of the variant or pathogenic assertions in the literature or databases. Disclaimer: This variant has not undergone full assessment. The following are preliminary notes: Frequency